The following is an entry in ClinVar:

NM_001354768.3(NRL):c.703C>T (p.Leu235Phe)

Genes: NRL (neural retina leucine zipper; minus strand), LOC130055387 (ATAC-STARR-seq lymphoblastoid silent region 5620; plus strand). Cytogenetic location: 14q11.2.
Variant type: single nucleotide variant.
Coding change: c.703C>T on transcript NM_001354768.3 (MANE Select); coding-DNA position 703, C replaced by T.
Protein change: p.Leu235Phe; replaces leucine 235 with phenylalanine.
Molecular consequence: missense variant.
Genome position (GRCh38, 1-based): chr14:24,081,247, G>A on the plus strand (C>T on the coding strand, the complement: NRL is on the minus strand). VCF-style: chr14-24081247-G-A. GRCh37 (hg19) VCF-style: chr14-24550456-G-A.
Other names: c.703C>T (NM_006177.3); c.703C>T, p.Leu235Phe (NM_001354769.1, NM_006177.5); c.388C>T, p.Leu130Phe (NM_001354770.2); short protein forms L130F, L235F.
Identifiers: ClinVar variation 1167563 (VCV001167563.12), dbSNP rs201358563, ClinGen allele CA7122811.

ClinVar aggregate classification (germline): Benign/Likely benign. Review status: criteria provided, multiple submitters, no conflicts (2 of 4 stars). 3 submissions from 3 submitters: Benign (1); Likely benign (1). 1 of the submissions does not count toward it. Last evaluated 2026-01-19.

Conditions:
NRL-related disorder. Also called: NRL-related condition.

Allele frequency attached by ClinVar (database versions not stated): gnomAD exomes 0.00019 and 0.00028; ESP Exome Variant Server 0.00083; ExAC 0.00100; 1000 Genomes Project 0.00180; 1000 Genomes Project 30x 0.00187; gnomAD 0.00224 and 0.00244; TOPMed 0.00274.
gnomAD v4.1: 611 of 1,504,778 alleles (0.041%); highest among the groups gnomAD compares: African/African-American, 0.8%; 4 homozygotes.

Submissions (3):

Labcorp Genetics (formerly Invitae), Labcorp
Classification: Benign. Last evaluated: 2026-01-19. Review status: criteria provided, single submitter. Criteria: Invitae Variant Classification Sherloc (09022015). Collection method: clinical testing. Allele origin: germline.

Blueprint Genetics
Classification: Likely benign. Last evaluated: 2024-10-23. Review status: criteria provided, single submitter. Criteria: ACMG Guidelines, 2015. Collection method: clinical testing. Allele origin: germline.

PreventionGenetics, part of Exact Sciences
Classification: Benign for NRL-related condition. Last evaluated: 2019-11-19. Review status: no assertion criteria provided. Collection method: clinical testing. Allele origin: germline. Not counted in ClinVar's aggregate classification.
Comment: This variant is classified as benign based on ACMG/AMP sequence variant interpretation guidelines (Richards et al. 2015 PMID: 25741868, with internal and published modifications).